The following is an entry in ClinVar:

NM_012203.2(GRHPR):c.234C>T (p.Ile78=)

Gene: GRHPR (glyoxylate and hydroxypyruvate reductase; plus strand). Cytogenetic location: 9p13.2.
Variant type: single nucleotide variant.
Coding change: c.234C>T on transcript NM_012203.2 (MANE Select); coding-DNA position 234, C replaced by T.
Protein change: p.Ile78=; no amino-acid change (isoleucine 78 retained).
Molecular consequence: synonymous variant.
Genome position (GRCh38, 1-based): chr9:37,425,941, C>T. VCF-style: chr9-37425941-C-T. GRCh37 (hg19) VCF-style: chr9-37425938-C-T.
Other names: c.234C>T (NM_012203.1).
Identifiers: ClinVar variation 1167523 (VCV001167523.14), dbSNP rs143337459, ClinGen allele CA5058965.

ClinVar aggregate classification (germline): Benign/Likely benign. Review status: criteria provided, multiple submitters, no conflicts (2 of 4 stars). 5 submissions from 5 submitters: Benign (1); Likely benign (3). 1 of the submissions does not count toward it. Last evaluated 2026-03-02.

Conditions:
GRHPR-related disorder. Also called: GRHPR-related condition.
Nephrolithiasis/nephrocalcinosis. Identifiers: MedGen CN580796.
Primary hyperoxaluria, type II (HP2). Also called: D-GLYCERATE DEHYDROGENASE DEFICIENCY; GLYCERIC ACIDURIA; GLYOXYLATE REDUCTASE/HYDROXYPYRUVATE REDUCTASE DEFICIENCY; Primary hyperoxaluria type 2; OXALOSIS II. Identifiers: Orphanet 416, Orphanet 93599, MedGen C0268165, MONDO:0009824, OMIM 260000. Disease mechanism: loss of function.

Allele frequency attached by ClinVar (database versions not stated): TOPMed 0.00086; 1000 Genomes Project 30x 0.00094; 1000 Genomes Project 0.00100; ESP Exome Variant Server 0.00123; gnomAD exomes 0.00022; ExAC 0.00030; gnomAD 0.00080 and 0.00082.

Submissions (5):

PreventionGenetics, part of Exact Sciences
Classification: Likely benign for GRHPR-related condition. Last evaluated: 2026-03-02. Review status: criteria provided, single submitter. Criteria: ACMG Guidelines, 2015. Collection method: clinical testing. Allele origin: germline.
Comment: This variant is classified as likely benign based on ACMG/AMP sequence variant interpretation guidelines (Richards et al. 2015 PMID: 25741868, with internal and published modifications).

Labcorp Genetics (formerly Invitae), Labcorp
Classification: Benign. Last evaluated: 2026-01-24. Review status: criteria provided, single submitter. Criteria: Invitae Variant Classification Sherloc (09022015). Collection method: clinical testing. Allele origin: germline.

Ambry Genetics
Classification: Likely benign for Nephrolithiasis/nephrocalcinosis. Last evaluated: 2022-04-05. Review status: criteria provided, single submitter. Criteria: Ambry Variant Classification Scheme 2023. Collection method: clinical testing. Allele origin: germline.

Fulgent Genetics
Classification: Likely benign for Primary hyperoxaluria, type II. Last evaluated: 2021-10-15. Review status: criteria provided, single submitter. Criteria: ACMG Guidelines, 2015. Collection method: clinical testing. Allele origin: unknown.

Natera, Inc.
Classification: Likely benign for Primary hyperoxaluria type II. Last evaluated: 2021-07-11. Review status: no assertion criteria provided. Collection method: clinical testing. Allele origin: germline. Not counted in ClinVar's aggregate classification.